The following is an entry in ClinVar:

NM_198510.3(ITIH6):c.773T>C (p.Ile258Thr)

Gene: ITIH6 (inter-alpha-trypsin inhibitor heavy chain family member 6; minus strand). Cytogenetic location: Xp11.22.
Variant type: single nucleotide variant.
Coding change: c.773T>C on transcript NM_198510.3 (MANE Select); coding-DNA position 773, T replaced by C.
Protein change: p.Ile258Thr; replaces isoleucine 258 with threonine.
Molecular consequence: missense variant.
Genome position (GRCh38, 1-based): chrX:54,788,493, A>G on the plus strand (T>C on the coding strand, the complement: ITIH6 is on the minus strand). VCF-style: chrX-54788493-A-G. GRCh37 (hg19) VCF-style: chrX-54814926-A-G.
Other names: short protein forms I258T.
Identifiers: ClinVar variation 3030737 (VCV003030737.3), dbSNP rs755045880, ClinGen allele CA10426431.

ClinVar aggregate classification (germline): Uncertain significance. Review status: criteria provided, single submitter (1 of 4 stars). 2 submissions from 2 submitters: Uncertain significance (1). 1 of the submissions does not count toward it. Last evaluated 2023-02-27.

Conditions:
ITIH6-related disorder. Also called: ITIH6-related condition.

Allele frequency attached by ClinVar (database versions not stated): gnomAD exomes 0.00011; TOPMed 0.00018; gnomAD 0.00020; ExAC 0.00021.
gnomAD v4.1: 138 of 1,208,515 alleles (0.011%); highest among the groups gnomAD compares: Admixed American, 0.063%; no homozygotes.

Submissions (2):

Ambry Genetics
Classification: Uncertain significance. Last evaluated: 2023-02-27. Review status: criteria provided, single submitter. Criteria: Ambry Variant Classification Scheme 2023. Collection method: clinical testing. Allele origin: germline.

PreventionGenetics, part of Exact Sciences
Classification: Likely benign for ITIH6-related condition. Last evaluated: 2020-12-09. Review status: no assertion criteria provided. Collection method: clinical testing. Allele origin: germline. Not counted in ClinVar's aggregate classification.
Comment: This variant is classified as likely benign based on ACMG/AMP sequence variant interpretation guidelines (Richards et al. 2015 PMID: 25741868, with internal and published modifications).